The following is an entry in ClinVar:

NM_000083.3(CLCN1):c.1630G>A (p.Val544Met)

Gene: CLCN1 (chloride voltage-gated channel 1; plus strand). Cytogenetic location: 7q34.
Variant type: single nucleotide variant.
Coding change: c.1630G>A on transcript NM_000083.3 (MANE Select); coding-DNA position 1630, G replaced by A.
Protein change: p.Val544Met; replaces valine 544 with methionine.
Molecular consequence: missense variant. On other transcripts: non-coding transcript variant (1).
Genome position (GRCh38, 1-based): chr7:143,341,976, G>A. VCF-style: chr7-143341976-G-A. GRCh37 (hg19) VCF-style: chr7-143039069-G-A.
Other names: short protein forms V544M.
Identifiers: ClinVar variation 447056 (VCV000447056.5), dbSNP rs1554438433, ClinGen allele CA369646435.

ClinVar aggregate classification (germline): Uncertain significance. Review status: criteria provided, multiple submitters, no conflicts (2 of 4 stars). 3 submissions from 3 submitters: Uncertain significance (3). Last evaluated 2023-07-16.

Conditions:
Congenital myotonia, autosomal recessive form. Also called: myotonia congenita, autosomal recessive; BECKER DISEASE; Becker Generalized Myotonia. Identifiers: Orphanet 614, MedGen C0751360, MONDO:0009715, OMIM 255700.
Congenital myotonia, autosomal dominant form (THD). Also called: THOMSEN DISEASE; Myotonia congenita autosomal dominant. Identifiers: Orphanet 614, MedGen C2936781, MONDO:0008055, OMIM 160800.

Allele frequency attached by ClinVar (database versions not stated): gnomAD exomes below 0.00001.
gnomAD v4.1: 1 of 1,614,178 alleles (0.000062%); highest among the groups gnomAD compares: Non-Finnish European, 0.000085%; no homozygotes.

Submissions (3):

Labcorp Genetics (formerly Invitae), Labcorp
Classification: Uncertain significance for Congenital myotonia, autosomal recessive form; Congenital myotonia, autosomal dominant form. Last evaluated: 2023-07-16. Review status: criteria provided, single submitter. Criteria: Invitae Variant Classification Sherloc (09022015). Collection method: clinical testing. Allele origin: germline.
Comment: In summary, the available evidence is currently insufficient to determine the role of this variant in disease. Therefore, it has been classified as a Variant of Uncertain Significance. Advanced modeling of protein sequence and biophysical properties (such as structural, functional, and spatial information, amino acid conservation, physicochemical variation, residue mobility, and thermodynamic stability) performed at Invitae indicates that this missense variant is expected to disrupt CLCN1 protein function. ClinVar contains an entry for this variant (Variation ID: 447056). This variant has not been reported in the literature in individuals affected with CLCN1-related conditions. This variant is not present in population databases (gnomAD no frequency). This sequence change replaces valine, which is neutral and non-polar, with methionine, which is neutral and non-polar, at codon 544 of the CLCN1 protein (p.Val544Met).

Athena Diagnostics
Classification: Uncertain significance. Last evaluated: 2017-09-13. Review status: criteria provided, single submitter. Criteria: Athena Diagnostics Criteria. Collection method: clinical testing. Allele origin: germline.

Kariminejad - Najmabadi Pathology & Genetics Center
Classification: Uncertain significance. Last evaluated: 2016-02-27. Review status: criteria provided, single submitter. Criteria: ACMG Guidelines, 2015. Collection method: clinical testing. Allele origin: germline. Inheritance: Autosomal recessive inheritance. Affected: yes.
Comment: PM2, PP3